The following is an entry in ClinVar:

ClinVar aggregate classification (germline): Uncertain significance (1 of 4 stars; one submission).

Conditions:
3-methylglutaconic aciduria with deafness, encephalopathy, and Leigh-like syndrome (MEGDEL). Also called: 3-METHYLGLUTACONIC ACIDURIA, TYPE VI; SERAC1 Deficiency; MEGDEL syndrome. Identifiers: Orphanet 352328, MedGen C4040739, MONDO:0013875, OMIM 614739.

Allele frequency attached by ClinVar (database versions not stated): gnomAD exomes below 0.00001; ExAC 0.00004.
gnomAD v4.1: 6 of 1,551,200 alleles (0.00039%); highest among the groups gnomAD compares: Non-Finnish European, 0.00053%; no homozygotes.

Submission:

Labcorp Genetics (formerly Invitae), Labcorp
Classification: Uncertain significance for 3-methylglutaconic aciduria with deafness, encephalopathy, and Leigh-like syndrome. Last evaluated: 2021-12-15. Review status: criteria provided, single submitter. Criteria: Invitae Variant Classification Sherloc (09022015). Collection method: clinical testing. Allele origin: germline.
Comment: In summary, the available evidence is currently insufficient to determine the role of this variant in disease. Therefore, it has been classified as a Variant of Uncertain Significance. Algorithms developed to predict the effect of missense changes on protein structure and function (SIFT, PolyPhen-2, Align-GVGD) all suggest that this variant is likely to be tolerated. This variant has not been reported in the literature in individuals affected with SERAC1-related conditions. This variant is present in population databases (rs755302827, gnomAD 0.004%). This sequence change replaces leucine, which is neutral and non-polar, with phenylalanine, which is neutral and non-polar, at codon 40 of the SERAC1 protein (p.Leu40Phe).

NM_032861.4(SERAC1):c.118C>T (p.Leu40Phe)

Gene: SERAC1 (serine active site containing 1; minus strand). Cytogenetic location: 6q25.3.
Variant type: single nucleotide variant.
Coding change: c.118C>T on transcript NM_032861.4 (MANE Select); coding-DNA position 118, C replaced by T.
Protein change: p.Leu40Phe; replaces leucine 40 with phenylalanine.
Molecular consequence: missense variant. On other transcripts: non-coding transcript variant (1).
Genome position (GRCh38, 1-based): chr6:158,155,325, G>A on the plus strand (C>T on the coding strand, the complement: SERAC1 is on the minus strand). VCF-style: chr6-158155325-G-A. GRCh37 (hg19) VCF-style: chr6-158576357-G-A.
Other names: short protein forms L40F.
Identifiers: ClinVar variation 2043367 (VCV002043367.4), dbSNP rs755302827, ClinGen allele CA4071457.